The following is an entry in ClinVar:

NM_000059.4(BRCA2):c.7006dup (p.Arg2336fs)

Gene: BRCA2 (BRCA2 DNA repair associated; plus strand). Cytogenetic location: 13q13.1.
Variant type: Duplication.
Coding change: c.7006dup on transcript NM_000059.4 (MANE Select); coding-DNA position 7006, one base duplicated (C; older notation c.7006dupC).
Protein change: p.Arg2336fs; shifts the reading frame from arginine 2336.
Molecular consequence: frameshift variant.
Genome position (GRCh38, 1-based): chr13:32,346,895, C duplicated. VCF-style (leftmost placement, unchanged base first): chr13-32346894-T-TC. GRCh37 (hg19) VCF-style: chr13-32921031-T-TC.
Other names: 7234dupC; c.7006dupC (NM_000059.4); short protein forms R2336fs.
Identifiers: ClinVar variation 266981 (VCV000266981.12), dbSNP rs886040683, ClinGen allele CA10589408.

ClinVar aggregate classification (germline): Pathogenic. Review status: reviewed by expert panel (3 of 4 stars). 4 submissions from 4 submitters: Pathogenic (1). 3 of the submissions do not count toward it. Last evaluated 2016-10-18.

Conditions:
Breast-ovarian cancer, familial, susceptibility to, 2 (BROVCA2). Also called: BRCA2 Hereditary Breast and Ovarian Cancer. Identifiers: Orphanet 145, MedGen C2675520, MONDO:0012933, OMIM 612555. Disease mechanism: loss of function.

Submissions (4):

Evidence-based Network for the Interpretation of Germline Mutant Alleles (ENIGMA)
Classification: Pathogenic for Breast-ovarian cancer, familial, susceptibility to, 2. Last evaluated: 2016-10-18. Review status: reviewed by expert panel. Criteria: ENIGMA BRCA1/2 Classification Criteria (2015). Collection method: curation. Allele origin: germline.
Comment: Variant allele predicted to encode a truncated non-functional protein.

Center for Genomic Medicine, Rigshospitalet, Copenhagen University Hospital
Classification: Pathogenic. Last evaluated: 2025-03-04. Review status: criteria provided, single submitter. Criteria: ACMG Guidelines, 2015. Collection method: clinical testing. Allele origin: germline. Not counted in ClinVar's aggregate classification.

Department of Clinical Genetics, Copenhagen University Hospital, Rigshospitalet
Classification: Pathogenic for Breast-ovarian cancer, familial, susceptibility to, 2. Last evaluated: 2024-05-27. Review status: criteria provided, single submitter. Criteria: ACMG Guidelines, 2015. Collection method: clinical testing. Allele origin: germline. Affected: yes. Not counted in ClinVar's aggregate classification.
Comment: PVS1; PM2_supporting; PM5_PTC_Strong

Consortium of Investigators of Modifiers of BRCA1/2 (CIMBA), c/o University of Cambridge
Classification: Pathogenic for Breast-ovarian cancer, familial, susceptibility to, 2. Last evaluated: 2015-10-02. Review status: criteria provided, single submitter. Criteria: CIMBA Mutation Classification guidelines May 2016. Collection method: clinical testing. Allele origin: germline. Not counted in ClinVar's aggregate classification.